The following is an entry in ClinVar:

ClinVar aggregate classification (germline): Uncertain significance. Review status: criteria provided, multiple submitters, no conflicts (2 of 4 stars). 2 submissions from 2 submitters: Uncertain significance (2). Last evaluated 2022-08-28.

Conditions:
Pitt-Hopkins-like syndrome 2 (PTHSL2). Identifiers: Orphanet 221150, Orphanet 600663, MedGen C3280479, MONDO:0013690, OMIM 614325.

Allele frequency attached by ClinVar (database versions not stated): gnomAD exomes below 0.00001 and 0.00002; ExAC 0.00002; TOPMed 0.00002.
gnomAD v4.1: 4 of 1,609,882 alleles (0.00025%); highest among the groups gnomAD compares: East Asian, 0.009%; no homozygotes.

Submissions (2):

Labcorp Genetics (formerly Invitae), Labcorp
Classification: Uncertain significance for Pitt-Hopkins-like syndrome 2. Last evaluated: 2022-08-28. Review status: criteria provided, single submitter. Criteria: Invitae Variant Classification Sherloc (09022015). Collection method: clinical testing. Allele origin: germline.
Comment: This sequence change replaces valine, which is neutral and non-polar, with isoleucine, which is neutral and non-polar, at codon 470 of the NRXN1 protein (p.Val470Ile). This variant is present in population databases (rs753832133, gnomAD 0.02%). This variant has not been reported in the literature in individuals affected with NRXN1-related conditions. ClinVar contains an entry for this variant (Variation ID: 282967). Algorithms developed to predict the effect of missense changes on protein structure and function are either unavailable or do not agree on the potential impact of this missense change (SIFT: "Deleterious"; PolyPhen-2: "Benign"; Align-GVGD: "Class C25"). In summary, the available evidence is currently insufficient to determine the role of this variant in disease. Therefore, it has been classified as a Variant of Uncertain Significance.

Eurofins Ntd Llc (ga)
Classification: Uncertain significance. Last evaluated: 2015-09-16. Review status: criteria provided, single submitter. Criteria: EGL Classification Definitions 2015. Collection method: clinical testing. Allele origin: germline. Observed: 2 variant alleles, 2 heterozygotes.

NM_001330078.2(NRXN1):c.1288G>A (p.Val430Ile)

Gene: NRXN1 (neurexin 1; minus strand). Cytogenetic location: 2p16.3.
Variant type: single nucleotide variant.
Coding change: c.1288G>A on transcript NM_001330078.2 (MANE Select); coding-DNA position 1288, G replaced by A.
Protein change: p.Val430Ile; replaces valine 430 with isoleucine.
Molecular consequence: missense variant.
Genome position (GRCh38, 1-based): chr2:50,620,054, C>T on the plus strand (G>A on the coding strand, the complement: NRXN1 is on the minus strand). VCF-style: chr2-50620054-C-T. GRCh37 (hg19) VCF-style: chr2-50847192-C-T.
Other names: c.1408G>A, p.Val470Ile (NM_001135659.3); c.1264G>A, p.Val422Ile (NM_001330077.2, NM_001330082.2, NM_001330095.2); c.1249G>A, p.Val417Ile (NM_001330083.2, NM_001330084.2); c.1288G>A, p.Val430Ile (NM_001330085.2, NM_001330086.2, NM_004801.6); c.1204G>A, p.Val402Ile (NM_001330087.2, NM_001330096.2); c.1234G>A, p.Val412Ile (NM_001330088.2); c.1285G>A, p.Val429Ile (NM_001330093.2); c.1276G>A, p.Val426Ile (NM_001330094.2); short protein forms V470I, V417I, V430I, V412I, V422I, V402I, V426I, V429I.
Identifiers: ClinVar variation 282967 (VCV000282967.13), dbSNP rs753832133, ClinGen allele CA1655073.